The following is an entry in ClinVar:

NM_001283009.2(RTEL1):c.3273C>A (p.Asp1091Glu)

Genes: RTEL1 (regulator of telomere elongation helicase 1; plus strand), RTEL1-TNFRSF6B (RTEL1-TNFRSF6B readthrough (NMD candidate); plus strand). Cytogenetic location: 20q13.33.
Variant type: single nucleotide variant.
Coding change: c.3273C>A on transcript NM_001283009.2 (MANE Select); coding-DNA position 3273, C replaced by A.
Protein change: p.Asp1091Glu; replaces aspartic acid 1091 with glutamic acid.
Molecular consequence: missense variant. On other transcripts: non-coding transcript variant (1).
Genome position (GRCh38, 1-based): chr20:63,694,904, C>A. VCF-style: chr20-63694904-C-A. GRCh37 (hg19) VCF-style: chr20-62326257-C-A.
Other names: c.2604C>A, p.Asp868Glu (NM_001283010.1); c.3273C>A, p.Asp1091Glu (NM_016434.4); c.3345C>A, p.Asp1115Glu (NM_032957.5); short protein forms D1115E, D1091E, D868E.
Identifiers: ClinVar variation 3948468 (VCV003948468.1).
Genomic context (GRCh38, chr20:63,694,904, plus strand): 5'-GGGGTCCGCGGGCTGTAGCCAACTCTTGGCAGCGCTGACAGCCTATAAGCAAGACGACGA[C>A]CTCGACAAGGTGCTGGCTGTGTTGGCCGCCCTGACCACTGCAAAGCCAGAGGACTTCCCC-3'
Protein context (NP_001269938.1, residues 1081-1101): AALTAYKQDD[Asp1091Glu]LDKVLAVLAA

ClinVar aggregate classification (germline): Uncertain significance (1 of 4 stars; one submission).

Conditions:
Inborn genetic diseases. Identifiers: MedGen C0950123, MeSH D030342.

Submission:

Ambry Genetics
Classification: Uncertain significance for Inborn genetic diseases. Last evaluated: 2025-06-07. Review status: criteria provided, single submitter. Criteria: Ambry Variant Classification Scheme 2023. Collection method: clinical testing. Allele origin: germline.
Comment: The p.D1091E variant (also known as c.3273C>A), located in coding exon 31 of the RTEL1 gene, results from a C to A substitution at nucleotide position 3273. The aspartic acid at codon 1091 is replaced by glutamic acid, an amino acid with highly similar properties. This amino acid position is conserved. In addition, the in silico prediction for this alteration is inconclusive. Based on the available evidence, the clinical significance of this variant remains unclear.